The following is an entry in ClinVar:

NM_017763.6(RNF43):c.344C>T (p.Ala115Val)

Gene: RNF43 (ring finger protein 43; minus strand). Cytogenetic location: 17q22.
Variant type: single nucleotide variant.
Coding change: c.344C>T on transcript NM_017763.6 (MANE Select); coding-DNA position 344, C replaced by T.
Protein change: p.Ala115Val; replaces alanine 115 with valine.
Molecular consequence: missense variant.
Genome position (GRCh38, 1-based): chr17:58,370,942, G>A on the plus strand (C>T on the coding strand, the complement: RNF43 is on the minus strand). VCF-style: chr17-58370942-G-A. GRCh37 (hg19) VCF-style: chr17-56448303-G-A.
Other names: c.344C>T, p.Ala115Val (NM_001305544.3); c.-38C>T (NM_001305545.2); c.344C>T (NM_017763.4); short protein forms A115V.
Identifiers: ClinVar variation 2678407 (VCV002678407.6), dbSNP rs200696996, ClinGen allele CA292019903.

ClinVar aggregate classification (germline): Uncertain significance. Review status: criteria provided, multiple submitters, no conflicts (2 of 4 stars). 4 submissions from 4 submitters: Uncertain significance (4). Last evaluated 2024-12-16.

Conditions:
Sessile serrated polyposis cancer syndrome (SSPCS). Identifiers: Orphanet 157798, MedGen C4310714, MONDO:0014919, OMIM 617108.

Allele frequency attached by ClinVar (database versions not stated): gnomAD 0.00001.
gnomAD v4.1: 12 of 1,608,340 alleles (0.00075%); highest among the groups gnomAD compares: African/African-American, 0.0027%; no homozygotes.

Submissions (4):

Ambry Genetics
Classification: Uncertain significance. Last evaluated: 2024-12-16. Review status: criteria provided, single submitter. Criteria: Ambry Variant Classification Scheme 2023. Collection method: clinical testing. Allele origin: germline.
Comment: The p.A115V variant (also known as c.344C>T), located in coding exon 2 of the RNF43 gene, results from a C to T substitution at nucleotide position 344. The alanine at codon 115 is replaced by valine, an amino acid with similar properties. This amino acid position is conserved. In addition, this alteration is predicted to be tolerated by in silico analysis. Based on the available evidence, the clinical significance of this variant remains unclear.

GeneDx
Classification: Uncertain significance. Last evaluated: 2023-12-06. Review status: criteria provided, single submitter. Criteria: GeneDx Variant Classification Process June 2021. Collection method: clinical testing. Allele origin: germline. Affected: yes.
Comment: Not observed at significant frequency in large population cohorts (gnomAD); In silico analysis supports that this missense variant does not alter protein structure/function; Has not been previously published as pathogenic or benign to our knowledge; Variants in candidate genes are classified as variants of uncertain significance in accordance with ACMG guidelines (PMID: 25741868)

Labcorp Genetics (formerly Invitae), Labcorp
Classification: Uncertain significance. Last evaluated: 2023-11-07. Review status: criteria provided, single submitter. Criteria: Invitae Variant Classification Sherloc (09022015). Collection method: clinical testing. Allele origin: germline.
Comment: This sequence change replaces alanine, which is neutral and non-polar, with valine, which is neutral and non-polar, at codon 115 of the RNF43 protein (p.Ala115Val). The frequency data for this variant in the population databases is considered unreliable, as metrics indicate poor data quality at this position in the gnomAD database. This variant has not been reported in the literature in individuals affected with RNF43-related conditions. An algorithm developed to predict the effect of missense changes on protein structure and function (PolyPhen-2) suggests that this variant is likely to be tolerated. In summary, the available evidence is currently insufficient to determine the role of this variant in disease. Therefore, it has been classified as a Variant of Uncertain Significance.

Baylor Genetics
Classification: Uncertain significance for Sessile serrated polyposis cancer syndrome. Last evaluated: 2023-08-30. Review status: criteria provided, single submitter. Criteria: ACMG Guidelines, 2015. Collection method: clinical testing. Allele origin: unknown.